The following is an entry in ClinVar:

ClinVar aggregate classification (germline): Likely benign (0 of 4 stars; one submission).

Conditions:
TCTE1-related disorder. Also called: TCTE1-related condition.

Allele frequency attached by ClinVar (database versions not stated): TOPMed 0.00016; gnomAD 0.00078; gnomAD exomes 0.00173; ExAC 0.00390; 1000 Genomes Project 0.00479; 1000 Genomes Project 30x 0.00500.
gnomAD v4.1: 2,647 of 1,612,794 alleles (0.16%); highest among the groups gnomAD compares: South Asian, 2.7%; 59 homozygotes.

Submission:

PreventionGenetics, part of Exact Sciences
Classification: Likely benign for TCTE1-related condition. Last evaluated: 2022-12-28. Review status: no assertion criteria provided. Collection method: clinical testing. Allele origin: germline.
Comment: This variant is classified as likely benign based on ACMG/AMP sequence variant interpretation guidelines (Richards et al. 2015 PMID: 25741868, with internal and published modifications).

NM_182539.4(DRC5):c.547C>T (p.Leu183Phe)

Gene: DRC5 (dynein regulatory complex subunit 5; minus strand). Cytogenetic location: 6p21.1.
Variant type: single nucleotide variant.
Coding change: c.547C>T on transcript NM_182539.4 (MANE Select); coding-DNA position 547, C replaced by T.
Protein change: p.Leu183Phe; replaces leucine 183 with phenylalanine.
Molecular consequence: missense variant.
Genome position (GRCh38, 1-based): chr6:44,286,263, G>A on the plus strand (C>T on the coding strand, the complement: DRC5 is on the minus strand). VCF-style: chr6-44286263-G-A. GRCh37 (hg19) VCF-style: chr6-44254000-G-A.
Other names: short protein forms L183F.
Identifiers: ClinVar variation 3055345 (VCV003055345.2), dbSNP rs201180749, ClinGen allele CA3833629.